The following is an entry in ClinVar:

ClinVar aggregate classification (germline): Likely benign (1 of 4 stars; one submission).

Conditions:
Tuberous sclerosis 1 (TSC1). Identifiers: Orphanet 805, MedGen C1854465, MONDO:0008612, OMIM 191100.

gnomAD v4.1: 1 of 1,614,024 alleles (0.000062%); highest among the groups gnomAD compares: South Asian, 0.0011%; no homozygotes.

Submission:

Myriad Genetics, Inc.
Classification: Likely benign for Tuberous sclerosis 1. Last evaluated: 2025-04-08. Review status: criteria provided, single submitter. Criteria: Myriad Autosomal Dominant, Autosomal Recessive and X-Linked Classification Criteria (2023). Collection method: clinical testing. Allele origin: unknown.
Comment: This variant is considered likely benign. This variant is intronic and is not expected to impact mRNA splicing.

NM_000368.5(TSC1):c.664-16A>C

Gene: TSC1 (TSC complex subunit 1; minus strand). Cytogenetic location: 9q34.13.
Variant type: single nucleotide variant.
Coding change: c.664-16A>C on transcript NM_000368.5 (MANE Select); 16 bases into the intron before coding-DNA position 664, A replaced by C.
Molecular consequence: intron variant.
Genome position (GRCh38, 1-based): chr9:132,921,452, T>G on the plus strand (A>C on the coding strand, the complement: TSC1 is on the minus strand). VCF-style: chr9-132921452-T-G. GRCh37 (hg19) VCF-style: chr9-135796839-T-G.
Other names: c.301-16A>C (NM_001406620.1, NM_001406618.1, NM_001406625.1 and 10 more transcripts); c.511-16A>C (NM_001406613.1, NM_001406612.1, NM_001406610.1 and 2 more transcripts); c.-215+367A>C (NM_001406627.1, NM_001406628.1, NM_001406626.1); c.-357+367A>C (NM_001406629.1); c.664-16A>C (NM_001406603.1, NM_001406609.1, NM_001406597.1 and 16 more transcripts); c.-430-16A>C (NM_001406630.1).
Identifiers: ClinVar variation 4071231 (VCV004071231.1).
Genomic context (GRCh38, chr9:132,921,452, plus strand): 5'-TCCAGTCACTAATTCCGGATGAATTCGCACATGCTCCATCATTGGCTAGAAGAGTTGGGT[T>G]GACAAATTATAAAGGGCTGAATGTTTGTGGAACATCCAAATGATGGAATATTAGTTGACA-3'